The following is an entry in ClinVar:

NM_024079.5(ALG8):c.1533T>A (p.Tyr511Ter)

Gene: ALG8 (ALG8 alpha-1,3-glucosyltransferase; minus strand). Cytogenetic location: 11q14.1.
Variant type: single nucleotide variant.
Coding change: c.1533T>A on transcript NM_024079.5 (MANE Select); coding-DNA position 1533, T replaced by A.
Protein change: p.Tyr511Ter; replaces tyrosine 511 with a stop codon.
Molecular consequence: nonsense. On other transcripts: 3 prime UTR variant (1).
Genome position (GRCh38, 1-based): chr11:78,101,012, A>T on the plus strand (T>A on the coding strand, the complement: ALG8 is on the minus strand). VCF-style: chr11-78101012-A-T. GRCh37 (hg19) VCF-style: chr11-77812058-A-T.
Other names: c.*204T>A (NM_001007027.3); short protein forms Y511*.
Identifiers: ClinVar variation 930774 (VCV000930774.3), dbSNP rs1859771094, ClinGen allele CA382109310.

ClinVar aggregate classification (germline): Likely pathogenic (1 of 4 stars; one submission).

Conditions:
ALG8 congenital disorder of glycosylation. Also called: ALG8-CDG; CONGENITAL DISORDER OF GLYCOSYLATION, TYPE Ih; CDG Ih. Identifiers: Orphanet 79325, MedGen C2931002, MONDO:0011969, OMIM 608104.

Submission:

Centre for Mendelian Genomics, University Medical Centre Ljubljana
Classification: Likely pathogenic for ALG8 congenital disorder of glycosylation. Last evaluated: 2019-10-15. Review status: criteria provided, single submitter. Criteria: ACMG Guidelines, 2015. Collection method: clinical testing. Allele origin: unknown. Affected: yes.
Comment: This variant was classified as: Likely pathogenic. The following ACMG criteria were applied in classifying this variant: PVS1,PM2,.